The following is an entry in ClinVar:

NM_000059.4(BRCA2):c.8794C>T (p.His2932Tyr)

Gene: BRCA2 (BRCA2 DNA repair associated; plus strand). Cytogenetic location: 13q13.1.
Variant type: single nucleotide variant.
Coding change: c.8794C>T on transcript NM_000059.4 (MANE Select); coding-DNA position 8794, C replaced by T.
Protein change: p.His2932Tyr; replaces histidine 2932 with tyrosine.
Molecular consequence: missense variant. On other transcripts: non-coding transcript variant (1).
Genome position (GRCh38, 1-based): chr13:32,379,356, C>T. VCF-style: chr13-32379356-C-T. GRCh37 (hg19) VCF-style: chr13-32953493-C-T.
Other names: c.8698C>T, p.His2900Tyr (NM_001406719.1); c.8794C>T, p.His2932Tyr (NM_001406720.1); c.3862C>T, p.His1288Tyr (NM_001406721.1); c.2377C>T, p.His793Tyr (NM_001406722.1); short protein forms H1288Y, H2932Y, H793Y, H2900Y.
Identifiers: ClinVar variation 2811150 (VCV002811150.3), dbSNP rs2137619268, ClinGen allele CA387755957.

ClinVar aggregate classification (germline): Uncertain significance (1 of 4 stars; one submission).

Conditions:
Hereditary breast ovarian cancer syndrome. Also called: Hereditary breast and ovarian cancer; Hereditary breast and ovarian cancer syndrome; Breast and ovarian cancer; BRCA1- and BRCA2-Associated Hereditary Breast and Ovarian Cancer; Hereditary breast and ovarian cancer syndrome (HBOC); Hereditary breast and/or ovarian cancer syndrome. Identifiers: Orphanet 145, MedGen C0677776, MeSH D061325, MONDO:0003582. Disease mechanism: loss of function.

Submission:

Labcorp Genetics (formerly Invitae), Labcorp
Classification: Uncertain significance for Hereditary breast ovarian cancer syndrome. Last evaluated: 2024-04-15. Review status: criteria provided, single submitter. Criteria: Invitae Variant Classification Sherloc (09022015). Collection method: clinical testing. Allele origin: germline.
Comment: This sequence change replaces histidine, which is basic and polar, with tyrosine, which is neutral and polar, at codon 2932 of the BRCA2 protein (p.His2932Tyr). This variant is not present in population databases (gnomAD no frequency). This variant has not been reported in the literature in individuals affected with BRCA2-related conditions. Advanced modeling of protein sequence and biophysical properties (such as structural, functional, and spatial information, amino acid conservation, physicochemical variation, residue mobility, and thermodynamic stability) performed at Invitae indicates that this missense variant is not expected to disrupt BRCA2 protein function with a negative predictive value of 95%. Algorithms developed to predict the effect of sequence changes on RNA splicing suggest that this variant may create or strengthen a splice site. In summary, the available evidence is currently insufficient to determine the role of this variant in disease. Therefore, it has been classified as a Variant of Uncertain Significance.